The following is an entry in ClinVar:

NC_000005.9:g.(?_89968343)_(90111573_?)dup

Gene: ADGRV1 (adhesion G protein-coupled receptor V1; plus strand). Cytogenetic location: 5q14.3.
Variant type: Duplication.
Identifiers: ClinVar variation 3246557 (VCV003246557.1).

ClinVar aggregate classification (germline): Likely pathogenic (1 of 4 stars; one submission).

Submission:

Labcorp Genetics (formerly Invitae), Labcorp
Classification: Likely pathogenic. Last evaluated: 2023-02-04. Review status: criteria provided, single submitter. Criteria: Invitae Variant Classification Sherloc (09022015). Collection method: clinical testing. Allele origin: unknown.
Comment: This variant has not been reported in the literature in individuals affected with ADGRV1-related conditions. This variant results in a copy number gain of the genomic region encompassing exon(s) 22-75 of the ADGRV1 gene. While the exact position of this variant cannot be determined from the data, sub-genic copy number gains are generally in tandem (PMID: 25640679). This variant is predicted to be out-of-frame, and may result in an absent or disrupted protein product. Loss-of-function variants in ADGRV1 are known to be pathogenic (PMID: 19357117, 22135276, 22147658, 26226137, 30718709, 31047384, 32467589). In summary, the currently available evidence indicates that the variant is pathogenic, but additional data are needed to prove that conclusively. Therefore, this variant has been classified as Likely Pathogenic.

Literature cited by the submitters: PubMed 25640679; PubMed 19357117; PubMed 22135276; PubMed 22147658; PubMed 26226137; PubMed 30718709; PubMed 31047384; PubMed 32467589.